The following is an entry in ClinVar:

ClinVar aggregate classification (germline): Uncertain significance (1 of 4 stars; one submission).

Allele frequency attached by ClinVar (database versions not stated): TOPMed 0.00001.

Submission:

GeneDx
Classification: Uncertain significance. Last evaluated: 2019-04-08. Review status: criteria provided, single submitter. Criteria: GeneDx Variant Classification Process June 2021. Collection method: clinical testing. Allele origin: germline. Affected: yes.
Comment: Has not been previously published as pathogenic or benign to our knowledge; In silico analysis, which includes protein predictors and evolutionary conservation, supports that this variant does not alter protein structure/function; Not observed in large population cohorts (Lek et al., 2016)

NM_001110556.2(FLNA):c.2897C>A (p.Ser966Tyr)

Gene: FLNA (filamin A; minus strand). Cytogenetic location: Xq28.
Variant type: single nucleotide variant.
Coding change: c.2897C>A on transcript NM_001110556.2 (MANE Select); coding-DNA position 2897, C replaced by A.
Protein change: p.Ser966Tyr; replaces serine 966 with tyrosine.
Molecular consequence: missense variant.
Genome position (GRCh38, 1-based): chrX:154,361,717, G>T on the plus strand (C>A on the coding strand, the complement: FLNA is on the minus strand). VCF-style: chrX-154361717-G-T. GRCh37 (hg19) VCF-style: chrX-153590085-G-T.
Other names: c.2897C>A, p.Ser966Tyr (NM_001456.4); short protein forms S966Y.
Identifiers: ClinVar variation 1305055 (VCV001305055.2), dbSNP rs1557178074, ClinGen allele CA415231552.
Genomic context (GRCh38, chrX:154,361,717, plus strand): 5'-CCCAACTACTTACTCTCTCCCAGGCCAGACACCTTGATCTTGCTGAGGTCCAGGCTTGGA[G>T]ATACTGCCACTGAGAAAGGGCTCTTAGGGATGGGATCCCCTCCATAAGTGACATTGACGC-3'
Protein context (NP_001104026.1, residues 956-976): IPKSPFSVAV[Ser966Tyr]PSLDLSKIKV